The following is an entry in ClinVar:

ClinVar aggregate classification (germline): Uncertain significance (1 of 4 stars; one submission).

gnomAD v4.1: 2 of 1,612,174 alleles (0.00012%); highest among the groups gnomAD compares: Non-Finnish European, 0.00017%; no homozygotes.

Submission:

Ambry Genetics
Classification: Uncertain significance. Last evaluated: 2024-11-24. Review status: criteria provided, single submitter. Criteria: Ambry Variant Classification Scheme 2023. Collection method: clinical testing. Allele origin: germline.
Comment: The p.P802A variant (also known as c.2404C>G), located in coding exon 11 of the WNK2 gene, results from a C to G substitution at nucleotide position 2404. The proline at codon 802 is replaced by alanine, an amino acid with highly similar properties. This amino acid position is conserved. In addition, this alteration is predicted to be tolerated by in silico analysis. Based on the available evidence, the clinical significance of this variant remains unclear.

NM_006648.4(WNK2):c.2404C>G (p.Pro802Ala)

Gene: WNK2 (WNK lysine deficient protein kinase 2; plus strand). Cytogenetic location: 9q22.31.
Variant type: single nucleotide variant.
Coding change: c.2404C>G on transcript NM_006648.4 (MANE Select); coding-DNA position 2404, C replaced by G.
Protein change: p.Pro802Ala; replaces proline 802 with alanine.
Molecular consequence: missense variant.
Genome position (GRCh38, 1-based): chr9:93,258,952, C>G. VCF-style: chr9-93258952-C-G. GRCh37 (hg19) VCF-style: chr9-96021234-C-G.
Other names: c.2404C>G, p.Pro802Ala (NM_001282394.3); short protein forms P802A.
Identifiers: ClinVar variation 3470389 (VCV003470389.1).
Genomic context (GRCh38, chr9:93,258,952, plus strand): 5'-GTTGGGGCCCACACTGACACACTCCTGTGTCTCTTTCAGATGCCCCCGATTCCTGTTGTG[C>G]CCCCCATCACGCCCCTGGCGGGAATCGACGGCCTCCCTCCGGCCCTCCCAGACCTGCCGA-3'
Protein context (NP_006639.3, residues 792-812): PPQMPPIPVV[Pro802Ala]PITPLAGIDG